The following is an entry in ClinVar:

ClinVar aggregate classification (germline): Uncertain significance (1 of 4 stars; one submission).

Allele frequency attached by ClinVar (database versions not stated): gnomAD exomes below 0.00001.
gnomAD v4.1: 3 of 1,613,046 alleles (0.00019%); no homozygotes.

Submission:

Labcorp Genetics (formerly Invitae), Labcorp
Classification: Uncertain significance. Last evaluated: 2021-10-29. Review status: criteria provided, single submitter. Criteria: Invitae Variant Classification Sherloc (09022015). Collection method: clinical testing. Allele origin: germline.
Comment: Advanced modeling of protein sequence and biophysical properties (such as structural, functional, and spatial information, amino acid conservation, physicochemical variation, residue mobility, and thermodynamic stability) performed at Invitae indicates that this missense variant is expected to disrupt CNGB3 protein function. This variant has not been reported in the literature in individuals affected with CNGB3-related conditions. This variant is not present in population databases (gnomAD no frequency). This sequence change replaces phenylalanine, which is neutral and non-polar, with leucine, which is neutral and non-polar, at codon 525 of the CNGB3 protein (p.Phe525Leu). In summary, the available evidence is currently insufficient to determine the role of this variant in disease. Therefore, it has been classified as a Variant of Uncertain Significance.

NM_019098.5(CNGB3):c.1573T>C (p.Phe525Leu)

Gene: CNGB3 (cyclic nucleotide gated channel subunit beta 3; minus strand). Cytogenetic location: 8q21.3.
Variant type: single nucleotide variant.
Coding change: c.1573T>C on transcript NM_019098.5 (MANE Select); coding-DNA position 1573, T replaced by C.
Protein change: p.Phe525Leu; replaces phenylalanine 525 with leucine.
Molecular consequence: missense variant.
Genome position (GRCh38, 1-based): chr8:86,625,988, A>G on the plus strand (T>C on the coding strand, the complement: CNGB3 is on the minus strand). VCF-style: chr8-86625988-A-G. GRCh37 (hg19) VCF-style: chr8-87638216-A-G.
Other names: short protein forms F525L.
Identifiers: ClinVar variation 1492245 (VCV001492245.6), dbSNP rs2131580299, ClinGen allele CA371441995.